The following is an entry in ClinVar:

ClinVar aggregate classification (germline): Uncertain significance (1 of 4 stars; one submission).

Conditions:
Arginine:glycine amidinotransferase deficiency (CCDS3). Also called: AGAT deficiency; Creatine deficiency syndrome due to AGAT deficiency; GATM deficiency; L-Arginine:Glycine Amidinotransferase (AGAT) Deficiency; Cerebral creatine deficiency syndrome 3; L-Arginine:Glycine Amidinotransferase Deficiency. Identifiers: Orphanet 35704, MedGen C2675179, MONDO:0012996, OMIM 612718.

Submission:

Labcorp Genetics (formerly Invitae), Labcorp
Classification: Uncertain significance for Arginine:glycine amidinotransferase deficiency. Last evaluated: 2022-11-01. Review status: criteria provided, single submitter. Criteria: Invitae Variant Classification Sherloc (09022015). Collection method: clinical testing. Allele origin: germline.
Comment: In summary, the available evidence is currently insufficient to determine the role of this variant in disease. Therefore, it has been classified as a Variant of Uncertain Significance. Advanced modeling of protein sequence and biophysical properties (such as structural, functional, and spatial information, amino acid conservation, physicochemical variation, residue mobility, and thermodynamic stability) performed at Invitae indicates that this missense variant is not expected to disrupt GATM protein function. ClinVar contains an entry for this variant (Variation ID: 844029). This variant has not been reported in the literature in individuals affected with GATM-related conditions. This variant is not present in population databases (gnomAD no frequency). This sequence change replaces valine, which is neutral and non-polar, with methionine, which is neutral and non-polar, at codon 316 of the GATM protein (p.Val316Met).

NM_001482.3(GATM):c.946G>A (p.Val316Met)

Gene: GATM (glycine amidinotransferase; minus strand). Cytogenetic location: 15q21.1.
Variant type: single nucleotide variant.
Coding change: c.946G>A on transcript NM_001482.3 (MANE Select); coding-DNA position 946, G replaced by A.
Protein change: p.Val316Met; replaces valine 316 with methionine.
Molecular consequence: missense variant.
Genome position (GRCh38, 1-based): chr15:45,366,078, C>T on the plus strand (G>A on the coding strand, the complement: GATM is on the minus strand). VCF-style: chr15-45366078-C-T. GRCh37 (hg19) VCF-style: chr15-45658276-C-T.
Other names: c.559G>A, p.Val187Met (NM_001321015.2); short protein forms V316M, V187M.
Identifiers: ClinVar variation 844029 (VCV000844029.9), dbSNP rs1889443760, ClinGen allele CA392257555.
Genomic context (GRCh38, chr15:45,366,078, plus strand): 5'-TTTTCCAGAGTCCCAAGAAATCTCTTACCTGGTGACATGGTCGGTCAGGGTTGGAAAGCA[C>T]AATACCAGGTCCAATGATGTTGAAGGTAGCATCAATATGCATGGGATTGGGATCTTTAAA-3'
Protein context (NP_001473.1, residues 306-326): ATFNIIGPGI[Val316Met]LSNPDRPCHQ